The following is an entry in ClinVar:

ClinVar aggregate classification (germline): Uncertain significance (1 of 4 stars; one submission).

Conditions:
Multiple congenital exostosis (EXT). Also called: Multiple exostoses; Hereditary multiple osteochondromas; Hereditary multiple exostoses; Hereditary multiple exostosis; Multiple osteochondromas; MULTIPLE CARTILAGINOUS EXOSTOSES. Identifiers: Orphanet 321, MedGen C0015306, MONDO:0005508, HP:0002762.

Submission:

Labcorp Genetics (formerly Invitae), Labcorp
Classification: Uncertain significance for Multiple congenital exostosis. Last evaluated: 2022-04-29. Review status: criteria provided, single submitter. Criteria: Invitae Variant Classification Sherloc (09022015). Collection method: clinical testing. Allele origin: germline.
Comment: Advanced modeling of protein sequence and biophysical properties (such as structural, functional, and spatial information, amino acid conservation, physicochemical variation, residue mobility, and thermodynamic stability) performed at Invitae indicates that this missense variant is not expected to disrupt EXT1 protein function. This sequence change replaces valine, which is neutral and non-polar, with isoleucine, which is neutral and non-polar, at codon 515 of the EXT1 protein (p.Val515Ile). This variant is not present in population databases (gnomAD no frequency). This variant has not been reported in the literature in individuals affected with EXT1-related conditions. In summary, the available evidence is currently insufficient to determine the role of this variant in disease. Therefore, it has been classified as a Variant of Uncertain Significance.

NM_000127.3(EXT1):c.1543G>A (p.Val515Ile)

Gene: EXT1 (exostosin glycosyltransferase 1; minus strand). Cytogenetic location: 8q24.11.
Variant type: single nucleotide variant.
Coding change: c.1543G>A on transcript NM_000127.3 (MANE Select); coding-DNA position 1543, G replaced by A.
Protein change: p.Val515Ile; replaces valine 515 with isoleucine.
Molecular consequence: missense variant.
Genome position (GRCh38, 1-based): chr8:117,818,524, C>T on the plus strand (G>A on the coding strand, the complement: EXT1 is on the minus strand). VCF-style: chr8-117818524-C-T. GRCh37 (hg19) VCF-style: chr8-118830763-C-T.
Other names: short protein forms V515I.
Identifiers: ClinVar variation 2131772 (VCV002131772.4), dbSNP rs2488106936, ClinGen allele CA371883537.